The following is an entry in ClinVar:

ClinVar aggregate classification (germline): Uncertain significance. Review status: reviewed by expert panel (3 of 4 stars). 2 submissions from 2 submitters: Uncertain significance (1). 1 of the submissions does not count toward it. Last evaluated 2026-02-18.

Conditions:
Autosomal recessive limb-girdle muscular dystrophy. Identifiers: Orphanet 102015, MedGen C2931907, MONDO:0015152.

Submissions (2):

ClinGen Limb Girdle Muscular Dystrophy Variant Curation Expert Panel, ClinGen
Classification: Uncertain significance for Autosomal recessive limb-girdle muscular dystrophy. Last evaluated: 2026-02-18. Review status: reviewed by expert panel. Criteria: ClinGen LGMD VCEP ACMG Specifications CAPN3 V2.0.0. Collection method: curation. Allele origin: germline. Inheritance: Autosomal recessive inheritance.
Comment: The NM_000070.3: c.380-18_380-3del variant in CAPN3 is an intronic variant located in the splice acceptor region of intron 2. The computational predictor Splice AI gives a score of 0.99 for acceptor loss, which is above the VCEP threshold of 0.5 and suggests this variant may impact splicing (PP3). This variant is also predicted to strengthen an alternative acceptor site, with a SpliceAI score of 0.49. This variant has been identified in unconfirmed phase with a pathogenic variant in at least one patient with a clinical suspicion of LGMD (c.550del, 0.5 pts, PMID: 30564623, LOVD Individual #00220626, GRASP-LGMD Consortium internal data communication) (PM3_Supporting, PP4). This variant is absent from gnomAD v4.1.0 (PM2_Supporting). In summary, at this time there is insufficient evidence to classify this variant as pathogenic or benign, and it remains a variant of uncertain significance for autosomal recessive limb girdle muscular dystrophy based on the ACMG/AMP criteria applied, as specified by the ClinGen LGMD VCEP (specifications version 2.0.0; 02/18/2026): PP3, PM3_Supporting, PP4, PM2_Supporting.

Eurofins Ntd Llc (ga)
Classification: Uncertain significance. Last evaluated: 2016-01-27. Review status: criteria provided, single submitter. Criteria: EGL Classification Definitions 2015. Collection method: clinical testing. Allele origin: germline. Observed: 1 variant allele, 1 heterozygote. Not counted in ClinVar's aggregate classification.

NM_000070.3(CAPN3):c.380-18_380-3del

Genes: CAPN3 (calpain 3; plus strand), LOC126862115 (BRD4-independent group 4 enhancer GRCh37_chr15:42677734-42678933; plus strand). Cytogenetic location: 15q15.1.
Variant type: Deletion.
Coding change: c.380-18_380-3del on transcript NM_000070.3 (MANE Select); 18 bases into the intron before coding-DNA position 380 through 3 bases into the intron before coding-DNA position 380, 16 bases deleted (CCCTGTGTCTGCCTGC).
Molecular consequence: intron variant.
Genome position (GRCh38, 1-based): chr15:42,386,149-42,386,164, CCCTGTGTCTGCCTGC deleted. VCF-style (leftmost placement, unchanged base first): chr15-42386148-GCCCTGTGTCTGCCTGC-G. GRCh37 (hg19) VCF-style: chr15-42678346-GCCCTGTGTCTGCCTGC-G.
Other names: c.380-18_380-3del (NM_024344.2, NM_173087.2).
Identifiers: ClinVar variation 285927 (VCV000285927.6), dbSNP rs886043254, ClinGen allele CA10605297.